The following is an entry in ClinVar:

NM_005236.3(ERCC4):c.830T>C (p.Leu277Pro)

Gene: ERCC4 (ERCC excision repair 4, endonuclease catalytic subunit; plus strand). Cytogenetic location: 16p13.12.
Variant type: single nucleotide variant.
Coding change: c.830T>C on transcript NM_005236.3 (MANE Select); coding-DNA position 830, T replaced by C.
Protein change: p.Leu277Pro; replaces leucine 277 with proline.
Molecular consequence: missense variant.
Genome position (GRCh38, 1-based): chr16:13,930,747, T>C. VCF-style: chr16-13930747-T-C. GRCh37 (hg19) VCF-style: chr16-14024604-T-C.
Other names: short protein forms L277P.
Identifiers: ClinVar variation 1410080 (VCV001410080.6), dbSNP rs2032156137, ClinGen allele CA394803922.
Genomic context (GRCh38, chr16:13,930,747, plus strand): 5'-ACCAAATTTTATTCTTGTTTTAGACAATCCGCCATTATCTGGATCCTTTGTGGCACCAGC[T>C]TGGAGCCAAGACTAAATCCTTAGTTCAGGATTTGAAGATATTACGAACTTTGCTGCAGTA-3'
Protein context (NP_005227.1, residues 267-287): RHYLDPLWHQ[Leu277Pro]GAKTKSLVQD

ClinVar aggregate classification (germline): Uncertain significance (1 of 4 stars; one submission).

Conditions:
Cockayne syndrome. Identifiers: Orphanet 191, MedGen C0009207, MONDO:0016006.
Fanconi anemia complementation group Q. Identifiers: Orphanet 84, MedGen C3808988, MONDO:0014108, OMIM 615272.
Xeroderma pigmentosum, group F (XPF). Also called: ERCC4-Related Xeroderma Pigmentosum; XERODERMA PIGMENTOSUM, TYPE F; Xeroderma pigmentosum, type 6; XERODERMA PIGMENTOSUM, COMPLEMENTATION GROUP F; XERODERMA PIGMENTOSUM VI; XP, GROUP F. Identifiers: MedGen C0268140, MONDO:0010215, OMIM 278760.

Allele frequency attached by ClinVar (database versions not stated): gnomAD 0.00001.

Submission:

Labcorp Genetics (formerly Invitae), Labcorp
Classification: Uncertain significance for Fanconi anemia complementation group Q; Xeroderma pigmentosum, group F; Cockayne syndrome. Last evaluated: 2021-10-30. Review status: criteria provided, single submitter. Criteria: Invitae Variant Classification Sherloc (09022015). Collection method: clinical testing. Allele origin: germline.
Comment: In summary, the available evidence is currently insufficient to determine the role of this variant in disease. Therefore, it has been classified as a Variant of Uncertain Significance. Algorithms developed to predict the effect of missense changes on protein structure and function (SIFT, PolyPhen-2, Align-GVGD) all suggest that this variant is likely to be disruptive. This variant has not been reported in the literature in individuals affected with ERCC4-related conditions. This variant is not present in population databases (gnomAD no frequency). This sequence change replaces leucine, which is neutral and non-polar, with proline, which is neutral and non-polar, at codon 277 of the ERCC4 protein (p.Leu277Pro).